The following is an entry in ClinVar:

ClinVar aggregate classification (germline): Uncertain significance (1 of 4 stars; one submission).

gnomAD v4.1: 5 of 1,614,072 alleles (0.00031%); highest among the groups gnomAD compares: Non-Finnish European, 0.00034%; no homozygotes.

Submission:

Labcorp Genetics (formerly Invitae), Labcorp
Classification: Uncertain significance. Last evaluated: 2024-10-29. Review status: criteria provided, single submitter. Criteria: Invitae Variant Classification Sherloc (09022015). Collection method: clinical testing. Allele origin: germline.
Comment: This sequence change replaces alanine, which is neutral and non-polar, with valine, which is neutral and non-polar, at codon 205 of the ZIC1 protein (p.Ala205Val). The frequency data for this variant in the population databases is considered unreliable, as metrics indicate poor data quality at this position in the gnomAD database. This variant has not been reported in the literature in individuals affected with ZIC1-related conditions. Invitae Evidence Modeling of protein sequence and biophysical properties (such as structural, functional, and spatial information, amino acid conservation, physicochemical variation, residue mobility, and thermodynamic stability) indicates that this missense variant is not expected to disrupt ZIC1 protein function with a negative predictive value of 80%. In summary, the available evidence is currently insufficient to determine the role of this variant in disease. Therefore, it has been classified as a Variant of Uncertain Significance.

NM_003412.4(ZIC1):c.614C>T (p.Ala205Val)

Gene: ZIC1 (Zic family zinc finger 1; plus strand). Cytogenetic location: 3q24.
Variant type: single nucleotide variant.
Coding change: c.614C>T on transcript NM_003412.4 (MANE Select); coding-DNA position 614, C replaced by T.
Protein change: p.Ala205Val; replaces alanine 205 with valine.
Molecular consequence: missense variant.
Genome position (GRCh38, 1-based): chr3:147,410,726, C>T. VCF-style: chr3-147410726-C-T. GRCh37 (hg19) VCF-style: chr3-147128513-C-T.
Other names: short protein forms A205V.
Identifiers: ClinVar variation 3611678 (VCV003611678.2).
Genomic context (GRCh38, chr3:147,410,726, plus strand): 5'-GTTCGGAGCACTATGCTGCGCCGCAGCTGCACGGCTACGGGCCCATGAACGTGAACATGG[C>T]CGCGCATCACGGCGCCGGCGCCTTCTTCCGCTACATGCGCCAACCCATCAAGCAAGAGCT-3'
Protein context (NP_003403.2, residues 195-215): HGYGPMNVNM[Ala205Val]AHHGAGAFFR